The following is an entry in ClinVar:

ClinVar aggregate classification (germline): Uncertain significance. Review status: criteria provided, multiple submitters, no conflicts (2 of 4 stars). 3 submissions from 3 submitters: Uncertain significance (2). 1 of the submissions does not count toward it. Last evaluated 2023-03-01.

Conditions:
CUL3-related disorder. Also called: CUL3-related disorders; CUL3-related condition.

Allele frequency attached by ClinVar (database versions not stated): gnomAD exomes below 0.00001; ExAC 0.00001.

Submissions (3):

CeGaT Center for Human Genetics Tuebingen
Classification: Uncertain significance. Last evaluated: 2023-03-01. Review status: criteria provided, single submitter. Criteria: CeGaT Center For Human Genetics Tuebingen Variant Classification Criteria Version 2. Collection method: clinical testing. Allele origin: germline. Affected: yes. Observed: 2 variant alleles.
Comment: CUL3: PM2, PP2, PP3

Labcorp Genetics (formerly Invitae), Labcorp
Classification: Uncertain significance. Last evaluated: 2022-04-15. Review status: criteria provided, single submitter. Criteria: Invitae Variant Classification Sherloc (09022015). Collection method: clinical testing. Allele origin: germline.
Comment: In summary, the available evidence is currently insufficient to determine the role of this variant in disease. Therefore, it has been classified as a Variant of Uncertain Significance. Algorithms developed to predict the effect of missense changes on protein structure and function are either unavailable or do not agree on the potential impact of this missense change (SIFT: "Deleterious"; PolyPhen-2: "Probably Damaging"; Align-GVGD: "Class C0"). This variant has not been reported in the literature in individuals affected with CUL3-related conditions. This variant is present in population databases (rs759758641, gnomAD 0.006%). This sequence change replaces arginine, which is basic and polar, with cysteine, which is neutral and slightly polar, at codon 761 of the CUL3 protein (p.Arg761Cys).

PreventionGenetics, part of Exact Sciences
Classification: Likely pathogenic for CUL3-related condition. Last evaluated: 2023-12-15. Review status: no assertion criteria provided. Collection method: clinical testing. Allele origin: germline. Not counted in ClinVar's aggregate classification.
Comment: The CUL3 c.2281C>T variant is predicted to result in the amino acid substitution p.Arg761Cys. To our knowledge, this variant has not been reported in the literature. This variant is reported in 0.0054% of alleles in individuals of East Asian descent in gnomAD. This variant is interpreted as likely pathogenic.

NM_003590.5(CUL3):c.2281C>T (p.Arg761Cys)

Gene: CUL3 (cullin 3; minus strand). Cytogenetic location: 2q36.2.
Variant type: single nucleotide variant.
Coding change: c.2281C>T on transcript NM_003590.5 (MANE Select); coding-DNA position 2281, C replaced by T.
Protein change: p.Arg761Cys; replaces arginine 761 with cysteine.
Molecular consequence: missense variant.
Genome position (GRCh38, 1-based): chr2:224,474,271, G>A on the plus strand (C>T on the coding strand, the complement: CUL3 is on the minus strand). VCF-style: chr2-224474271-G-A. GRCh37 (hg19) VCF-style: chr2-225338988-G-A.
Other names: c.2281C>T (NM_003590.4); c.2083C>T, p.Arg695Cys (NM_001257197.2); c.2299C>T, p.Arg767Cys (NM_001257198.2); short protein forms R761C, R767C, R695C.
Identifiers: ClinVar variation 2126166 (VCV002126166.33), dbSNP rs759758641, ClinGen allele CA2139789.